The following is an entry in ClinVar:

NM_015910.7(WDPCP):c.394G>C (p.Gly132Arg)

Gene: WDPCP (WD repeat containing planar cell polarity effector; minus strand). Cytogenetic location: 2p15.
Variant type: single nucleotide variant.
Coding change: c.394G>C on transcript NM_015910.7 (MANE Select); coding-DNA position 394, G replaced by C.
Protein change: p.Gly132Arg; replaces glycine 132 with arginine.
Molecular consequence: missense variant. On other transcripts: non-coding transcript variant (2).
Genome position (GRCh38, 1-based): chr2:63,439,862, C>G on the plus strand (G>C on the coding strand, the complement: WDPCP is on the minus strand). VCF-style: chr2-63439862-C-G. GRCh37 (hg19) VCF-style: chr2-63666996-C-G.
Other names: c.322G>C, p.Gly108Arg (NM_001354044.2); c.394G>C, p.Gly132Arg (NM_001354045.2); short protein forms G108R, G132R.
Identifiers: ClinVar variation 999062 (VCV000999062.8), dbSNP rs1697389440, ClinGen allele CA347064201.

ClinVar aggregate classification (germline): Uncertain significance (1 of 4 stars; one submission).

Conditions:
Bardet-Biedl syndrome (BBS). Identifiers: Orphanet 110, MedGen C0752166, MONDO:0015229.

Allele frequency attached by ClinVar (database versions not stated): gnomAD exomes below 0.00001; TOPMed below 0.00001.

Submission:

Labcorp Genetics (formerly Invitae), Labcorp
Classification: Uncertain significance for Bardet-Biedl syndrome. Last evaluated: 2024-03-16. Review status: criteria provided, single submitter. Criteria: Invitae Variant Classification Sherloc (09022015). Collection method: clinical testing. Allele origin: germline.
Comment: This sequence change replaces glycine, which is neutral and non-polar, with arginine, which is basic and polar, at codon 132 of the WDPCP protein (p.Gly132Arg). This variant is not present in population databases (gnomAD no frequency). This variant has not been reported in the literature in individuals affected with WDPCP-related conditions. ClinVar contains an entry for this variant (Variation ID: 999062). Advanced modeling of protein sequence and biophysical properties (such as structural, functional, and spatial information, amino acid conservation, physicochemical variation, residue mobility, and thermodynamic stability) performed at Invitae indicates that this missense variant is not expected to disrupt WDPCP protein function with a negative predictive value of 80%. Algorithms developed to predict the effect of sequence changes on RNA splicing suggest that this variant may create or strengthen a splice site. In summary, the available evidence is currently insufficient to determine the role of this variant in disease. Therefore, it has been classified as a Variant of Uncertain Significance.